The following is an entry in ClinVar:

ClinVar aggregate classification (germline): Pathogenic. Review status: criteria provided, multiple submitters, no conflicts (2 of 4 stars). 3 submissions from 3 submitters: Pathogenic (2). 1 of the submissions does not count toward it. Last evaluated 2023-05-31.

Conditions:
Mucopolysaccharidosis type 6 (MPS6). Also called: MPS 6; Maroteaux Lamy syndrome; N-ACETYLGALACTOSAMINE-4-SULFATASE DEFICIENCY; ARSB DEFICIENCY; ARYLSULFATASE B DEFICIENCY; MPS VI. Identifiers: Orphanet 583, MedGen C0026709, MONDO:0009661, OMIM 253200.
Mucopolysaccharidosis, type vi, severe. Identifiers: MedGen C4017253.

Submissions (3):

Baylor Genetics
Classification: Pathogenic for Mucopolysaccharidosis type 6. Last evaluated: 2023-05-31. Review status: criteria provided, single submitter. Criteria: ACMG Guidelines, 2015. Collection method: clinical testing. Allele origin: unknown.

Laboratory of Diagnosis and Therapy of Lysosomal Disorders, University of Padova
Classification: Pathogenic for Mucopolysaccharidosis type 6. Last evaluated: 2018-01-01. Review status: criteria provided, single submitter. Criteria: ACMG Guidelines, 2015. Collection method: curation. Allele origin: germline. Affected: yes.
Comment: Frameshift variant (PVS1); Absent from GnomAD (PM2);Reputable source identifies as pathogenic (PP5)

OMIM
Classification: Pathogenic for MUCOPOLYSACCHARIDOSIS, TYPE VI, SEVERE. Last evaluated: 1996-01-01. Review status: no assertion criteria provided. Collection method: literature only. Allele origin: germline. Not counted in ClinVar's aggregate classification.

Literature cited by the submitters: PubMed 8723688 (cited by Laboratory of Diagnosis and Therapy of Lysosomal Disorders, University of Padova and OMIM); PubMed 30118150 (cited by Laboratory of Diagnosis and Therapy of Lysosomal Disorders, University of Padova).

NM_000046.5(ARSB):c.743del (p.Pro248fs)

Gene: ARSB (arylsulfatase B; minus strand). Cytogenetic location: 5q14.1.
Variant type: Deletion.
Coding change: c.743del on transcript NM_000046.5 (MANE Select); coding-DNA position 743, one base deleted (C; older notation c.743delC).
Protein change: p.Pro248fs; shifts the reading frame from proline 248.
Molecular consequence: frameshift variant.
Genome position (GRCh38, 1-based): chr5:78,955,450, G deleted on the plus strand (C on the coding strand, the reverse complement: ARSB is on the minus strand); the first of 3 consecutive G bases (chr5:78,955,450-78,955,452); deleting any one gives the same sequence. VCF-style (leftmost placement, unchanged base first): chr5-78955449-AG-A. GRCh37 (hg19) VCF-style: chr5-78251272-AG-A.
Other names: c.743del, p.Pro248fs (NM_198709.3); short protein forms P248fs.
Identifiers: ClinVar variation 882 (VCV000000882.2), dbSNP rs431905494, ClinGen allele CA114605.